The following is an entry in ClinVar:

NM_152296.5(ATP1A3):c.1069C>G (p.Leu357Val)

Gene: ATP1A3 (ATPase Na+/K+ transporting subunit alpha 3; minus strand). Cytogenetic location: 19q13.2.
Variant type: single nucleotide variant.
Coding change: c.1069C>G on transcript NM_152296.5 (MANE Select); coding-DNA position 1069, C replaced by G.
Protein change: p.Leu357Val; replaces leucine 357 with valine.
Molecular consequence: missense variant.
Genome position (GRCh38, 1-based): chr19:41,982,031, G>C on the plus strand (C>G on the coding strand, the complement: ATP1A3 is on the minus strand). VCF-style: chr19-41982031-G-C. GRCh37 (hg19) VCF-style: chr19-42486183-G-C.
Other names: c.1102C>G, p.Leu368Val (NM_001256213.2); c.1108C>G, p.Leu370Val (NM_001256214.2); short protein forms L357V, L368V, L370V.
Identifiers: ClinVar variation 4083407 (VCV004083407.1).

ClinVar aggregate classification (germline): Likely pathogenic (1 of 4 stars; one submission).

Submission:

GeneDx
Classification: Likely pathogenic. Last evaluated: 2025-03-13. Review status: criteria provided, single submitter. Criteria: GeneDx Variant Classification Process June 2021. Collection method: clinical testing. Allele origin: germline. Affected: yes.
Comment: Not observed at significant frequency in large population cohorts (gnomAD); In silico analysis supports that this missense variant has a deleterious effect on protein structure/function; Also known as p.(L368V); This variant is associated with the following publications: (PMID: 29801903)